The following is an entry in ClinVar:

NM_001903.5(CTNNA1):c.2009G>A (p.Arg670Gln)

Gene: CTNNA1 (catenin alpha 1; plus strand). Cytogenetic location: 5q31.2.
Variant type: single nucleotide variant.
Coding change: c.2009G>A on transcript NM_001903.5 (MANE Select); coding-DNA position 2009, G replaced by A.
Protein change: p.Arg670Gln; replaces arginine 670 with glutamine.
Molecular consequence: missense variant.
Genome position (GRCh38, 1-based): chr5:138,929,355, G>A. VCF-style: chr5-138929355-G-A. GRCh37 (hg19) VCF-style: chr5-138265044-G-A.
Other names: c.2009G>A, p.Arg670Gln (NM_001290307.3, NM_001323982.2, NM_001323983.1 and 2 more transcripts); c.1700G>A, p.Arg567Gln (NM_001290309.3); c.1640G>A, p.Arg547Gln (NM_001290310.3); c.899G>A, p.Arg300Gln (NM_001290312.1, NM_001323987.1, NM_001323988.1 and 17 more transcripts); c.1916G>A, p.Arg639Gln (NM_001323986.2); c.560G>A, p.Arg187Gln (NM_001324006.1, NM_001324007.1, NM_001324008.1 and 2 more transcripts); c.806G>A, p.Arg269Gln (NM_001324011.1); c.656G>A, p.Arg219Gln (NM_001324012.1, NM_001324013.1); short protein forms R219Q, R269Q, R300Q, R547Q, R639Q, R187Q, R567Q, R670Q.
Identifiers: ClinVar variation 1479417 (VCV001479417.8), dbSNP rs1180015219, ClinGen allele CA361132958.

ClinVar aggregate classification (germline): Uncertain significance. Review status: criteria provided, multiple submitters, no conflicts (2 of 4 stars). 2 submissions from 2 submitters: Uncertain significance (2). Last evaluated 2025-12-14.

Conditions:
Hereditary cancer-predisposing syndrome. Also called: Tumor predisposition; Hereditary Cancer Syndrome; Hereditary neoplastic syndrome; Neoplastic Syndromes, Hereditary. Identifiers: Orphanet 140162, MedGen C0027672, MeSH D009386, MONDO:0015356.

Allele frequency attached by ClinVar (database versions not stated): gnomAD exomes below 0.00001.
gnomAD v4.1: 6 of 1,524,544 alleles (0.00039%); highest among the groups gnomAD compares: African/African-American, 0.0014%; no homozygotes.

Submissions (2):

Labcorp Genetics (formerly Invitae), Labcorp
Classification: Uncertain significance. Last evaluated: 2025-12-14. Review status: criteria provided, single submitter. Criteria: Invitae Variant Classification Sherloc (09022015). Collection method: clinical testing. Allele origin: germline.
Comment: This sequence change replaces arginine, which is basic and polar, with glutamine, which is neutral and polar, at codon 670 of the CTNNA1 protein (p.Arg670Gln). This variant is not present in population databases (gnomAD no frequency). This variant has not been reported in the literature in individuals affected with CTNNA1-related conditions. ClinVar contains an entry for this variant (Variation ID: 1479417). An algorithm developed to predict the effect of missense changes on protein structure and function (PolyPhen-2) suggests that this variant is likely to be tolerated. In summary, the available evidence is currently insufficient to determine the role of this variant in disease. Therefore, it has been classified as a Variant of Uncertain Significance.

Ambry Genetics
Classification: Uncertain significance for Hereditary cancer-predisposing syndrome. Last evaluated: 2024-02-10. Review status: criteria provided, single submitter. Criteria: Ambry Variant Classification Scheme 2023. Collection method: clinical testing. Allele origin: germline.
Comment: The p.R670Q variant (also known as c.2009G>A), located in coding exon 13 of the CTNNA1 gene, results from a G to A substitution at nucleotide position 2009. The arginine at codon 670 is replaced by glutamine, an amino acid with highly similar properties. This amino acid position is conserved. In addition, the in silico prediction for this alteration is inconclusive. Since supporting evidence is limited at this time, the clinical significance of this alteration remains unclear.